The following is an entry in ClinVar:

ClinVar aggregate classification (germline): Uncertain significance (1 of 4 stars; one submission).

Allele frequency attached by ClinVar (database versions not stated): gnomAD exomes below 0.00001.
gnomAD v4.1: 1 of 1,209,249 alleles (0.000083%); highest among the groups gnomAD compares: Non-Finnish European, 0.00011%; no homozygotes.

Submission:

CeGaT Center for Human Genetics Tuebingen
Classification: Uncertain significance. Last evaluated: 2024-03-01. Review status: criteria provided, single submitter. Criteria: CeGaT Center For Human Genetics Tuebingen Variant Classification Criteria Version 2. Collection method: clinical testing. Allele origin: germline. Affected: yes. Observed: 1 variant allele.
Comment: DMD: PM2, PP3

NM_004006.3(DMD):c.319A>T (p.Thr107Ser)

Gene: DMD (dystrophin; minus strand). Cytogenetic location: Xp21.1.
Variant type: single nucleotide variant.
Coding change: c.319A>T on transcript NM_004006.3 (MANE Select); coding-DNA position 319, A replaced by T.
Protein change: p.Thr107Ser; replaces threonine 107 with serine.
Molecular consequence: missense variant. On other transcripts: 5 prime UTR variant (1).
Genome position (GRCh38, 1-based): chrX:32,823,333, T>A on the plus strand (A>T on the coding strand, the complement: DMD is on the minus strand). VCF-style: chrX-32823333-T-A. GRCh37 (hg19) VCF-style: chrX-32841450-T-A.
Other names: c.295A>T, p.Thr99Ser (NM_000109.4); c.307A>T, p.Thr103Ser (NM_004009.3); c.-51A>T (NM_004010.3); short protein forms T103S, T107S, T99S.
Identifiers: ClinVar variation 3067730 (VCV003067730.21), dbSNP rs2524458482, ClinGen allele CA412674492.